The following is an entry in ClinVar:

ClinVar aggregate classification (germline): Uncertain significance. Review status: criteria provided, multiple submitters, no conflicts (2 of 4 stars). 2 submissions from 2 submitters: Uncertain significance (2). Last evaluated 2022-11-08.

Conditions:
Fanconi anemia (FA). Also called: Fanconi's anemia. Identifiers: Orphanet 84, MedGen C0015625, MeSH D005199, MONDO:0019391.

Allele frequency attached by ClinVar (database versions not stated): gnomAD exomes 0.00001; TOPMed 0.00001.
gnomAD v4.1: 8 of 1,613,588 alleles (0.0005%); highest among the groups gnomAD compares: Admixed American, 0.0017%; no homozygotes.

Submissions (2):

Labcorp Genetics (formerly Invitae), Labcorp
Classification: Uncertain significance for Fanconi anemia. Last evaluated: 2022-11-08. Review status: criteria provided, single submitter. Criteria: Invitae Variant Classification Sherloc (09022015). Collection method: clinical testing. Allele origin: germline.
Comment: ClinVar contains an entry for this variant (Variation ID: 649440). Algorithms developed to predict the effect of missense changes on protein structure and function (SIFT, PolyPhen-2, Align-GVGD) all suggest that this variant is likely to be tolerated. In summary, the available evidence is currently insufficient to determine the role of this variant in disease. Therefore, it has been classified as a Variant of Uncertain Significance. This variant has not been reported in the literature in individuals affected with FANCM-related conditions. This sequence change replaces glycine, which is neutral and non-polar, with aspartic acid, which is acidic and polar, at codon 1616 of the FANCM protein (p.Gly1616Asp). This variant is present in population databases (no rsID available, gnomAD 0.006%).

Institute for Clinical Genetics, University Hospital TU Dresden, University Hospital TU Dresden
Classification: Uncertain significance. Last evaluated: 2021-11-03. Review status: criteria provided, single submitter. Criteria: ACMG Guidelines, 2015. Collection method: clinical testing. Allele origin: germline.

NM_020937.4(FANCM):c.4847G>A (p.Gly1616Asp)

Gene: FANCM (FA complementation group M; plus strand). Cytogenetic location: 14q21.2.
Variant type: single nucleotide variant.
Coding change: c.4847G>A on transcript NM_020937.4 (MANE Select); coding-DNA position 4847, G replaced by A.
Protein change: p.Gly1616Asp; replaces glycine 1616 with aspartic acid.
Molecular consequence: missense variant.
Genome position (GRCh38, 1-based): chr14:45,188,869, G>A. VCF-style: chr14-45188869-G-A. GRCh37 (hg19) VCF-style: chr14-45658072-G-A.
Other names: c.4847G>A (LRG_502t1); c.4769G>A, p.Gly1590Asp (NM_001308133.2); short protein forms G1616D, G1590D.
Identifiers: ClinVar variation 649440 (VCV000649440.11), dbSNP rs1232508556, ClinGen allele CA389611136.